The following is an entry in ClinVar:

ClinVar aggregate classification (germline): Uncertain significance (1 of 4 stars; one submission).

Conditions:
Aortic valve disease 2 (AOVD2). Identifiers: MedGen C3542024, MONDO:0013902, OMIM 614823.

Submission:

Labcorp Genetics (formerly Invitae), Labcorp
Classification: Uncertain significance for Aortic valve disease 2. Last evaluated: 2025-03-01. Review status: criteria provided, single submitter. Criteria: Invitae Variant Classification Sherloc (09022015). Collection method: clinical testing. Allele origin: germline.
Comment: This sequence change replaces glycine, which is neutral and non-polar, with valine, which is neutral and non-polar, at codon 93 of the TBX5 protein (p.Gly93Val). This variant is not present in population databases (gnomAD no frequency). This variant has not been reported in the literature in individuals affected with TBX5-related conditions. Invitae Evidence Modeling of protein sequence and biophysical properties (such as structural, functional, and spatial information, amino acid conservation, physicochemical variation, residue mobility, and thermodynamic stability) has been performed for this missense variant. However, the output from this modeling did not meet the statistical confidence thresholds required to predict the impact of this variant on TBX5 protein function. In summary, the available evidence is currently insufficient to determine the role of this variant in disease. Therefore, it has been classified as a Variant of Uncertain Significance.

NM_181486.4(TBX5):c.278G>T (p.Gly93Val)

Gene: TBX5 (T-box transcription factor 5; minus strand). Cytogenetic location: 12q24.21.
Variant type: single nucleotide variant.
Coding change: c.278G>T on transcript NM_181486.4 (MANE Select); coding-DNA position 278, G replaced by T.
Protein change: p.Gly93Val; replaces glycine 93 with valine.
Molecular consequence: missense variant.
Genome position (GRCh38, 1-based): chr12:114,399,597, C>A on the plus strand (G>T on the coding strand, the complement: TBX5 is on the minus strand). VCF-style: chr12-114399597-C-A. GRCh37 (hg19) VCF-style: chr12-114837402-C-A.
Other names: c.278G>T, p.Gly93Val (NM_000192.3); c.128G>T, p.Gly43Val (NM_080717.4); short protein forms G43V, G93V.
Identifiers: ClinVar variation 4754579 (VCV004754579.1).